The following is an entry in ClinVar:

ClinVar aggregate classification (germline): Likely pathogenic. Review status: criteria provided, multiple submitters, no conflicts (2 of 4 stars). 2 submissions from 2 submitters: Likely pathogenic (2). Last evaluated 2024-11-11.

Conditions:
Familial thoracic aortic aneurysm and aortic dissection (TAAD). Also called: Thoracic aortic aneurysms and dissections. Identifiers: Orphanet 91387, MedGen C4707243, MONDO:0019625.
Thoracic aortic aneurysm or dissection.

Submissions (2):

NHS Central & South Genomic Laboratory Hub
Classification: Likely pathogenic for Thoracic aortic aneurysm or dissection. Last evaluated: 2024-11-11. Review status: criteria provided, single submitter. Criteria: ACMG Guidelines, 2015. Collection method: clinical testing. Allele origin: germline. Affected: yes.

Ambry Genetics
Classification: Likely pathogenic for Familial thoracic aortic aneurysm and aortic dissection. Last evaluated: 2016-09-28. Review status: criteria provided, single submitter. Criteria: Ambry Variant Classification Scheme 2023. Collection method: clinical testing. Allele origin: germline.
Comment: The p.G1042D variant (also known as c.3125G>A), located in coding exon 25 of the FBN1 gene, results from a G to A substitution at nucleotide position 3125. The glycine at codon 1042 is replaced by aspartic acid, an amino acid with some similar properties. This variant was not reported in population based cohorts in the following databases: Database of Single Nucleotide Polymorphisms (dbSNP), NHLBI Exome Sequencing Project (ESP), and 1000 Genomes Project. In the ESP, this variant was not observed in 6494 samples (12988 alleles) with coverage at this position. This amino acid position is highly conserved in available vertebrate species. In addition, this alteration is predicted to be deleterious by in silico analysis. Based on the majority of available evidence to date, this variant is likely to be pathogenic.

Literature cited by the submitters: PubMed 16835936 (cited by Ambry Genetics); PubMed 18435798 (cited by Ambry Genetics).

NM_000138.5(FBN1):c.3125G>A (p.Gly1042Asp)

Gene: FBN1 (fibrillin 1; minus strand). Cytogenetic location: 15q21.1.
Variant type: single nucleotide variant.
Coding change: c.3125G>A on transcript NM_000138.5 (MANE Select); coding-DNA position 3125, G replaced by A.
Protein change: p.Gly1042Asp; replaces glycine 1042 with aspartic acid.
Molecular consequence: missense variant.
Genome position (GRCh38, 1-based): chr15:48,488,451, C>T on the plus strand (G>A on the coding strand, the complement: FBN1 is on the minus strand). VCF-style: chr15-48488451-C-T. GRCh37 (hg19) VCF-style: chr15-48780648-C-T.
Other names: short protein forms G1042D.
Identifiers: ClinVar variation 519740 (VCV000519740.6), dbSNP rs1555398680, ClinGen allele CA392328151.